The following is an entry in ClinVar:

ClinVar aggregate classification (germline): Conflicting classifications of pathogenicity. Review status: criteria provided, conflicting classifications (1 of 4 stars). 7 submissions from 7 submitters: Uncertain significance (5); Likely benign (1). 1 of the submissions does not count toward it. Last evaluated 2025-12-17.

Conditions:
Familial cancer of breast. Also called: BREAST CANCER, FAMILIAL; Hereditary breast cancer; hereditary breast carcinoma. Identifiers: Orphanet 227535, MedGen C0346153, MONDO:0016419, OMIM 114480. Disease mechanism: loss of function.
Hereditary cancer-predisposing syndrome. Also called: Neoplastic Syndromes, Hereditary; Tumor predisposition; Hereditary Cancer Syndrome; Hereditary neoplastic syndrome. Identifiers: Orphanet 140162, MedGen C0027672, MeSH D009386, MONDO:0015356.

Allele frequency attached by ClinVar (database versions not stated): gnomAD exomes below 0.00001; TOPMed below 0.00001; gnomAD 0.00001.
gnomAD v4.1: 3 of 1,610,178 alleles (0.00019%); highest among the groups gnomAD compares: African/African-American, 0.0013%; no homozygotes.

Submissions (7):

Labcorp Genetics (formerly Invitae), Labcorp
Classification: Uncertain significance for Familial cancer of breast. Last evaluated: 2025-12-17. Review status: criteria provided, single submitter. Criteria: Invitae Variant Classification Sherloc (09022015). Collection method: clinical testing. Allele origin: germline.
Comment: This sequence change replaces lysine, which is basic and polar, with arginine, which is basic and polar, at codon 564 of the PALB2 protein (p.Lys564Arg). This variant is not present in population databases (gnomAD no frequency). This variant has not been reported in the literature in individuals affected with PALB2-related conditions. ClinVar contains an entry for this variant (Variation ID: 186382). Invitae Evidence Modeling of protein sequence and biophysical properties (such as structural, functional, and spatial information, amino acid conservation, physicochemical variation, residue mobility, and thermodynamic stability) indicates that this missense variant is not expected to disrupt PALB2 protein function with a negative predictive value of 80%. In summary, the available evidence is currently insufficient to determine the role of this variant in disease. Therefore, it has been classified as a Variant of Uncertain Significance.

Color Diagnostics, LLC DBA Color Health
Classification: Uncertain significance for Hereditary cancer-predisposing syndrome. Last evaluated: 2025-12-11. Review status: criteria provided, single submitter. Criteria: ACMG Guidelines, 2015. Collection method: clinical testing. Allele origin: germline.
Comment: This missense variant replaces lysine with arginine at codon 564 of the PALB2 protein. Computational prediction suggests that this variant may not impact protein structure and function. To our knowledge, functional studies have not been reported for this variant. This variant has been reported in a breast cancer case-control study in 1/13087 cases and absent in 5488 unaffected individuals (PMID: 28779002) and reported in an unaffected individual from a colorectal cancer study (PMID: 28944238). This variant has been identified in 3/1610178 chromosomes in the general population by the Genome Aggregation Database (gnomAD). The available evidence is insufficient to determine the role of this variant in disease conclusively. Therefore, this variant is classified as a Variant of Uncertain Significance.

Ambry Genetics
Classification: Likely benign for Hereditary cancer-predisposing syndrome. Last evaluated: 2024-03-27. Review status: criteria provided, single submitter. Criteria: Ambry Variant Classification Scheme 2023. Collection method: clinical testing. Allele origin: germline.

Baylor Genetics
Classification: Uncertain significance for Familial cancer of breast. Last evaluated: 2023-12-20. Review status: criteria provided, single submitter. Criteria: ACMG Guidelines, 2015. Collection method: clinical testing. Allele origin: unknown.

GeneDx
Classification: Uncertain significance. Last evaluated: 2023-07-26. Review status: criteria provided, single submitter. Criteria: GeneDx Variant Classification Process June 2021. Collection method: clinical testing. Allele origin: germline. Affected: yes.
Comment: Not observed at significant frequency in large population cohorts (gnomAD); In silico analysis supports that this missense variant does not alter protein structure/function; Observed in an individual with breast cancer (Decker et al., 2017); This variant is associated with the following publications: (PMID: 28944238, 28779002)

Quest Diagnostics Nichols Institute San Juan Capistrano
Classification: Uncertain significance. Last evaluated: 2020-05-22. Review status: criteria provided, single submitter. Criteria: Quest Diagnostics criteria. Collection method: clinical testing. Allele origin: unknown.

Leiden Open Variation Database
Classification: Uncertain significance. Last evaluated: 2017-01-31. Review status: no assertion criteria provided. Collection method: curation. Allele origin: germline. Affected: yes. Not counted in ClinVar's aggregate classification.
Comment: Curators: Marc Tischkowitz, Arleen D. Auerbach. Submitter to LOVD: Melissa DeRycke.

Literature cited by the submitters: PubMed 28779002 (cited by 3 submitters); PubMed 28944238 (cited by Color Diagnostics, LLC DBA Color Health).

NM_024675.4(PALB2):c.1691A>G (p.Lys564Arg)

Gene: PALB2 (partner and localizer of BRCA2; minus strand). Cytogenetic location: 16p12.2.
Variant type: single nucleotide variant.
Coding change: c.1691A>G on transcript NM_024675.4 (MANE Select); coding-DNA position 1691, A replaced by G.
Protein change: p.Lys564Arg; replaces lysine 564 with arginine.
Molecular consequence: missense variant.
Genome position (GRCh38, 1-based): chr16:23,630,463, T>C on the plus strand (A>G on the coding strand, the complement: PALB2 is on the minus strand). VCF-style: chr16-23630463-T-C. GRCh37 (hg19) VCF-style: chr16-23641784-T-C.
Other names: short protein forms K564R.
Identifiers: ClinVar variation 186382 (VCV000186382.27), dbSNP rs62625276, ClinGen allele CA194670.